The following is an entry in ClinVar:

NM_032119.4(ADGRV1):c.17734del (p.Ser5912fs)

Gene: ADGRV1 (adhesion G protein-coupled receptor V1; plus strand). Cytogenetic location: 5q14.3.
Variant type: Deletion.
Coding change: c.17734del on transcript NM_032119.4 (MANE Select); coding-DNA position 17734, one base deleted (T; older notation c.17734delT).
Protein change: p.Ser5912fs; shifts the reading frame from serine 5912.
Molecular consequence: frameshift variant. On other transcripts: non-coding transcript variant (1).
Genome position (GRCh38, 1-based): chr5:90,855,880, T deleted; the last of 2 consecutive T bases (chr5:90,855,879-90,855,880); deleting either gives the same sequence. VCF-style (leftmost placement, unchanged base first): chr5-90855878-CT-C. GRCh37 (hg19) VCF-style: chr5-90151695-CT-C.
Other names: short protein forms S5912fs.
Identifiers: ClinVar variation 2713962 (VCV002713962.3), dbSNP rs2532563501, ClinGen allele CA2697546309.

ClinVar aggregate classification (germline): Pathogenic (1 of 4 stars; one submission).

Submission:

Labcorp Genetics (formerly Invitae), Labcorp
Classification: Pathogenic. Last evaluated: 2024-01-29. Review status: criteria provided, single submitter. Criteria: Invitae Variant Classification Sherloc (09022015). Collection method: clinical testing. Allele origin: germline.
Comment: This sequence change creates a premature translational stop signal (p.Ser5912Leufs*30) in the ADGRV1 gene. It is expected to result in an absent or disrupted protein product. Loss-of-function variants in ADGRV1 are known to be pathogenic (PMID: 19357117, 22135276, 22147658, 26226137, 30718709, 31047384, 32467589). This variant is not present in population databases (gnomAD no frequency). This variant has not been reported in the literature in individuals affected with ADGRV1-related conditions. For these reasons, this variant has been classified as Pathogenic.

Literature cited by the submitters: PubMed 19357117; PubMed 22135276; PubMed 22147658; PubMed 26226137; PubMed 30718709; PubMed 31047384; PubMed 32467589.